The following is an entry in ClinVar:

ClinVar aggregate classification (germline): Uncertain significance. Review status: criteria provided, multiple submitters, no conflicts (2 of 4 stars). 2 submissions from 2 submitters: Uncertain significance (2). Last evaluated 2025-11-09.

Allele frequency attached by ClinVar (database versions not stated): ExAC 0.00002; gnomAD 0.00003; TOPMed 0.00004; 1000 Genomes Project 0.00020; 1000 Genomes Project 30x 0.00031.
gnomAD v4.1: 34 of 1,613,772 alleles (0.0021%); highest among the groups gnomAD compares: East Asian, 0.074%; no homozygotes.

Submissions (2):

Labcorp Genetics (formerly Invitae), Labcorp
Classification: Uncertain significance. Last evaluated: 2025-11-09. Review status: criteria provided, single submitter. Criteria: Invitae Variant Classification Sherloc (09022015). Collection method: clinical testing. Allele origin: germline.
Comment: This sequence change replaces histidine, which is basic and polar, with glutamine, which is neutral and polar, at codon 618 of the LRRCC1 protein (p.His618Gln). This variant is present in population databases (rs538616734, gnomAD 0.06%). This variant has not been reported in the literature in individuals affected with LRRCC1-related conditions. ClinVar contains an entry for this variant (Variation ID: 2618101). An algorithm developed to predict the effect of missense changes on protein structure and function (PolyPhen-2) suggests that this variant is likely to be disruptive. In summary, the available evidence is currently insufficient to determine the role of this variant in disease. Therefore, it has been classified as a Variant of Uncertain Significance.

Ambry Genetics
Classification: Uncertain significance. Last evaluated: 2023-08-14. Review status: criteria provided, single submitter. Criteria: Ambry Variant Classification Scheme 2023. Collection method: clinical testing. Allele origin: germline.

NM_033402.5(LRRCC1):c.1854T>G (p.His618Gln)

Gene: LRRCC1 (leucine rich repeat and coiled-coil centrosomal protein 1; plus strand). Cytogenetic location: 8q21.2.
Variant type: single nucleotide variant.
Coding change: c.1854T>G on transcript NM_033402.5 (MANE Select); coding-DNA position 1854, T replaced by G.
Protein change: p.His618Gln; replaces histidine 618 with glutamine.
Molecular consequence: missense variant.
Genome position (GRCh38, 1-based): chr8:85,131,847, T>G. VCF-style: chr8-85131847-T-G. GRCh37 (hg19) VCF-style: chr8-86044082-T-G.
Other names: c.1575T>G, p.His525Gln (NM_001349636.2); c.1428T>G, p.His476Gln (NM_001349637.2); c.957T>G, p.His319Gln (NM_001349638.2); c.717T>G, p.His239Gln (NM_001349639.2); short protein forms H476Q, H618Q, H525Q, H239Q, H319Q.
Identifiers: ClinVar variation 2618101 (VCV002618101.3), dbSNP rs538616734, ClinGen allele CA4794778.